The following is an entry in ClinVar:

ClinVar aggregate classification (germline): Likely pathogenic. Review status: criteria provided, multiple submitters, no conflicts (2 of 4 stars). 3 submissions from 3 submitters: Likely pathogenic (3). Last evaluated 2025-07-23.

Conditions:
CYP11B2-related disorders.
Corticosterone methyl oxidase type II deficiency.

Allele frequency attached by ClinVar (database versions not stated): TOPMed 0.00001; ExAC 0.00002.

Submissions (3):

Natera, Inc.
Classification: Likely pathogenic for Corticosterone methyl oxidase type II deficiency. Last evaluated: 2025-07-23. Review status: criteria provided, single submitter. Criteria: Natera Variant Classification Schema (03/2026). Collection method: clinical testing. Allele origin: germline.
Comment: The c.1121G>A variant in CYP11B2 is a missense variant predicted to cause substitution of arginine to glutamine at amino acid 374. This variant is rare in the general population with a frequency below the threshold expected for the associated phenotype(s). This variant has been observed in one or more individuals affected with the associated recessive disease, as either homozygous or compound heterozygous with a second variant (PMID: 34243750, 34487532). This variant has been observed to segregate in affected family members (PMID: 34243750). A different variant at the same position has been determined to be Pathogenic or Likely Pathogenic. Computational prediction algorithms indicate this variant is likely to affect gene or protein function. Given the available evidence, this variant is classified as Likely Pathogenic.

Blueprint Genetics
Classification: Likely pathogenic for CYP11B2-related disorders. Last evaluated: 2024-10-07. Review status: criteria provided, single submitter. Criteria: ACMG Guidelines, 2015. Collection method: clinical testing. Allele origin: germline. Affected: yes. Observed: 2 variant alleles.

Labcorp Genetics (formerly Invitae), Labcorp
Classification: Likely pathogenic. Last evaluated: 2024-03-11. Review status: criteria provided, single submitter. Criteria: Invitae Variant Classification Sherloc (09022015). Collection method: clinical testing. Allele origin: germline.
Comment: This sequence change affects codon 374 of the CYP11B2 mRNA. It is a 'silent' change, meaning that it does not change the encoded amino acid sequence of the CYP11B2 protein. This variant also falls at the last nucleotide of exon 6, which is part of the consensus splice site for this exon. This variant is present in population databases (rs755947763, gnomAD 0.006%). This variant has been observed in individual(s) with aldosterone synthase deficiency (PMID: 34243750, 34487532). In at least one individual the data is consistent with being in trans (on the opposite chromosome) from a pathogenic variant. It has also been observed to segregate with disease in related individuals. An algorithm developed to predict the effect of missense changes on protein structure and function (PolyPhen-2) suggests that this variant is likely to be disruptive. Variants that disrupt the consensus splice site are a relatively common cause of aberrant splicing (PMID: 17576681, 9536098). Algorithms developed to predict the effect of sequence changes on RNA splicing suggest that this variant may disrupt the consensus splice site. In summary, the currently available evidence indicates that the variant is pathogenic, but additional data are needed to prove that conclusively. Therefore, this variant has been classified as Likely Pathogenic.

Literature cited by the submitters: PubMed 34243750 (cited by Natera, Inc. and Labcorp Genetics (formerly Invitae), Labcorp); PubMed 34487532 (cited by Natera, Inc. and Labcorp Genetics (formerly Invitae), Labcorp); PubMed 17576681 (cited by Labcorp Genetics (formerly Invitae), Labcorp); PubMed 9536098 (cited by Labcorp Genetics (formerly Invitae), Labcorp).

NM_000498.3(CYP11B2):c.1121G>A (p.Arg374Gln)

Genes: CYP11B2 (cytochrome P450 family 11 subfamily B member 2; minus strand), LOC106799834 (CYP11B2 recombination region; plus strand). Cytogenetic location: 8q24.3.
Variant type: single nucleotide variant.
Coding change: c.1121G>A on transcript NM_000498.3 (MANE Select); coding-DNA position 1121, G replaced by A.
Protein change: p.Arg374Gln; replaces arginine 374 with glutamine.
Molecular consequence: missense variant.
Genome position (GRCh38, 1-based): chr8:142,913,285, C>T on the plus strand (G>A on the coding strand, the complement: CYP11B2 is on the minus strand). VCF-style: chr8-142913285-C-T. GRCh37 (hg19) VCF-style: chr8-143994701-C-T.
Other names: short protein forms R374Q.
Identifiers: ClinVar variation 2900854 (VCV002900854.5), dbSNP rs755947763, ClinGen allele CA4905932.